The following is an entry in ClinVar:

NM_001165963.4(SCN1A):c.4453A>G (p.Asn1485Asp)

Genes: SCN1A (sodium voltage-gated channel alpha subunit 1; minus strand), LOC102724058 (uncharacterized LOC102724058; plus strand). Cytogenetic location: 2q24.3.
Variant type: single nucleotide variant.
Coding change: c.4453A>G on transcript NM_001165963.4 (MANE Select); coding-DNA position 4453, A replaced by G.
Protein change: p.Asn1485Asp; replaces asparagine 1485 with aspartic acid.
Molecular consequence: missense variant. On other transcripts: non-coding transcript variant (1).
Genome position (GRCh38, 1-based): chr2:165,998,061, T>C on the plus strand (A>G on the coding strand, the complement: SCN1A is on the minus strand). VCF-style: chr2-165998061-T-C. GRCh37 (hg19) VCF-style: chr2-166854571-T-C.
Other names: c.4369A>G, p.Asn1457Asp (NM_001165964.3, NM_001353957.2, NM_001353958.2); c.4453A>G, p.Asn1485Asp (NM_001202435.3, NM_001353948.2); c.4420A>G, p.Asn1474Asp (NM_001353949.2, NM_001353950.2, NM_001353951.2 and 2 more transcripts); c.4417A>G, p.Asn1473Asp (NM_001353954.2, NM_001353955.2); c.4366A>G, p.Asn1456Asp (NM_001353960.2); c.2011A>G, p.Asn671Asp (NM_001353961.2); short protein forms N1485D, N1474D, N1456D, N1457D, N671D, N1473D.
Identifiers: ClinVar variation 530510 (VCV000530510.9), dbSNP rs1553522331, ClinGen allele CA349049182.

ClinVar aggregate classification (germline): Pathogenic (1 of 4 stars; one submission).

Conditions:
Early-infantile DEE. Also called: Early infantile epileptic encephalopathy; Early infantile epileptic encephalopathy with suppression bursts; Ohtahara syndrome. Identifiers: Orphanet 1934, MedGen C0393706, MONDO:0800491.

Submission:

Labcorp Genetics (formerly Invitae), Labcorp
Classification: Pathogenic for Early-infantile DEE. Last evaluated: 2022-12-02. Review status: criteria provided, single submitter. Criteria: Invitae Variant Classification Sherloc (09022015). Collection method: clinical testing. Allele origin: germline.
Comment: This sequence change replaces asparagine, which is neutral and polar, with aspartic acid, which is acidic and polar, at codon 1485 of the SCN1A protein (p.Asn1485Asp). For these reasons, this variant has been classified as Pathogenic. Advanced modeling of protein sequence and biophysical properties (such as structural, functional, and spatial information, amino acid conservation, physicochemical variation, residue mobility, and thermodynamic stability) performed at Invitae indicates that this missense variant is expected to disrupt SCN1A protein function. ClinVar contains an entry for this variant (Variation ID: 530510). This missense change has been observed in individual(s) with Dravet syndrome (PMID: 23708187). In at least one individual the variant was observed to be de novo. This variant is not present in population databases (gnomAD no frequency).

Literature cited by the submitters: PubMed 23708187.